The following is an entry in ClinVar:

ClinVar aggregate classification (germline): Conflicting classifications of pathogenicity. Review status: criteria provided, conflicting classifications (1 of 4 stars). 2 submissions from 2 submitters: Uncertain significance (1); Likely benign (1). Last evaluated 2024-08-01.

Conditions:
Hereditary cancer-predisposing syndrome. Also called: Tumor predisposition; Hereditary Cancer Syndrome; Neoplastic Syndromes, Hereditary; Hereditary neoplastic syndrome. Identifiers: Orphanet 140162, MedGen C0027672, MeSH D009386, MONDO:0015356.
Familial cancer of breast. Also called: hereditary breast carcinoma; BREAST CANCER, FAMILIAL; Hereditary breast cancer. Identifiers: Orphanet 227535, MedGen C0346153, MONDO:0016419, OMIM 114480. Disease mechanism: loss of function.

Submissions (2):

Ambry Genetics
Classification: Likely benign for Hereditary cancer-predisposing syndrome. Last evaluated: 2024-08-01. Review status: criteria provided, single submitter. Criteria: Ambry Variant Classification Scheme 2023. Collection method: clinical testing. Allele origin: germline.

Labcorp Genetics (formerly Invitae), Labcorp
Classification: Uncertain significance for Familial cancer of breast. Last evaluated: 2022-12-06. Review status: criteria provided, single submitter. Criteria: Invitae Variant Classification Sherloc (09022015). Collection method: clinical testing. Allele origin: germline.
Comment: This sequence change replaces valine, which is neutral and non-polar, with isoleucine, which is neutral and non-polar, at codon 523 of the BARD1 protein (p.Val523Ile). This variant is not present in population databases (gnomAD no frequency). This variant has not been reported in the literature in individuals affected with BARD1-related conditions. Algorithms developed to predict the effect of missense changes on protein structure and function (SIFT, PolyPhen-2, Align-GVGD) all suggest that this variant is likely to be tolerated. Experimental studies have shown that this missense change does not substantially affect BARD1 function (PMID: 30925164). In summary, the available evidence is currently insufficient to determine the role of this variant in disease. Therefore, it has been classified as a Variant of Uncertain Significance.

Literature cited by the submitters: PubMed 30925164 (cited by Ambry Genetics and Labcorp Genetics (formerly Invitae), Labcorp).

NM_000465.4(BARD1):c.1567G>A (p.Val523Ile)

Gene: BARD1 (BRCA1 associated RING domain 1; minus strand). Cytogenetic location: 2q35.
Variant type: single nucleotide variant.
Coding change: c.1567G>A on transcript NM_000465.4 (MANE Select); coding-DNA position 1567, G replaced by A.
Protein change: p.Val523Ile; replaces valine 523 with isoleucine.
Molecular consequence: missense variant. On other transcripts: non-coding transcript variant (3), intron variant (3).
Genome position (GRCh38, 1-based): chr2:214,767,483, C>T on the plus strand (G>A on the coding strand, the complement: BARD1 is on the minus strand). VCF-style: chr2-214767483-C-T. GRCh37 (hg19) VCF-style: chr2-215632207-C-T.
Other names: c.1510G>A, p.Val504Ile (NM_001282543.2); c.159-14928G>A (NM_001282548.2); c.216-14928G>A (NM_001282545.2); c.364+24814G>A (NM_001282549.2); c.1567G>A (NM_000465.2); short protein forms V504I, V523I.
Identifiers: ClinVar variation 2418899 (VCV002418899.7), dbSNP rs2106076147, ClinGen allele CA350448078.